The following is an entry in ClinVar:

ClinVar aggregate classification (germline): Uncertain significance (1 of 4 stars; one submission).

Allele frequency attached by ClinVar (database versions not stated): TOPMed 0.00002.

Submission:

Labcorp Genetics (formerly Invitae), Labcorp
Classification: Uncertain significance. Last evaluated: 2023-08-27. Review status: criteria provided, single submitter. Criteria: Invitae Variant Classification Sherloc (09022015). Collection method: clinical testing. Allele origin: germline.
Comment: In summary, the available evidence is currently insufficient to determine the role of this variant in disease. Therefore, it has been classified as a Variant of Uncertain Significance. Advanced modeling of protein sequence and biophysical properties (such as structural, functional, and spatial information, amino acid conservation, physicochemical variation, residue mobility, and thermodynamic stability) performed at Invitae indicates that this missense variant is not expected to disrupt RHOBTB2 protein function. This variant has not been reported in the literature in individuals affected with RHOBTB2-related conditions. This variant is not present in population databases (gnomAD no frequency). This sequence change replaces methionine, which is neutral and non-polar, with valine, which is neutral and non-polar, at codon 27 of the RHOBTB2 protein (p.Met27Val).

NM_015178.3(RHOBTB2):c.13A>G (p.Met5Val)

Gene: RHOBTB2 (Rho related BTB domain containing 2; plus strand). Cytogenetic location: 8p21.3.
Variant type: single nucleotide variant.
Coding change: c.13A>G on transcript NM_015178.3 (MANE Select); coding-DNA position 13, A replaced by G.
Protein change: p.Met5Val; replaces methionine 5 with valine.
Molecular consequence: missense variant.
Genome position (GRCh38, 1-based): chr8:23,004,447, A>G. VCF-style: chr8-23004447-A-G. GRCh37 (hg19) VCF-style: chr8-22861960-A-G.
Other names: c.79A>G, p.Met27Val (NM_001160036.2); c.34A>G, p.Met12Val (NM_001160037.2); c.13A>G, p.Met5Val (NM_001374791.1); short protein forms M12V, M5V, M27V.
Identifiers: ClinVar variation 3010863 (VCV003010863.3), dbSNP rs927519383, ClinGen allele CA173871855.